The following is an entry in ClinVar:

NM_002485.5(NBN):c.796C>T (p.Pro266Ser)

Gene: NBN (nibrin; minus strand). Cytogenetic location: 8q21.3.
Variant type: single nucleotide variant.
Coding change: c.796C>T on transcript NM_002485.5 (MANE Select); coding-DNA position 796, C replaced by T.
Protein change: p.Pro266Ser; replaces proline 266 with serine.
Molecular consequence: missense variant.
Genome position (GRCh38, 1-based): chr8:89,970,464, G>A on the plus strand (C>T on the coding strand, the complement: NBN is on the minus strand). VCF-style: chr8-89970464-G-A. GRCh37 (hg19) VCF-style: chr8-90982692-G-A.
Other names: c.550C>T, p.Pro184Ser (NM_001024688.3); short protein forms P266S, P184S.
Identifiers: ClinVar variation 631004 (VCV000631004.20), dbSNP rs762956906, ClinGen allele CA371658615.

ClinVar aggregate classification (germline): Uncertain significance. Review status: criteria provided, multiple submitters, no conflicts (2 of 4 stars). 4 submissions from 4 submitters: Uncertain significance (3). 1 of the submissions does not count toward it. Last evaluated 2024-09-30.

Conditions:
Microcephaly, normal intelligence and immunodeficiency (NBS). Also called: Immunodeficiency, microcephaly with normal intelligence; SEEMANOVA SYNDROME II; Nijmegen breakage syndrome; Microcephaly with normal intelligence immunodeficiency and lymphoreticular malignancies; Nonsyndromal microcephaly autosomal recessive with normal intelligence; Seemanova syndrome 2. Identifiers: Orphanet 647, MedGen C0398791, MONDO:0009623, OMIM 251260.
Hereditary cancer-predisposing syndrome. Also called: Hereditary Cancer Syndrome; Neoplastic Syndromes, Hereditary; Tumor predisposition; Hereditary neoplastic syndrome. Identifiers: Orphanet 140162, MedGen C0027672, MeSH D009386, MONDO:0015356.

Allele frequency attached by ClinVar (database versions not stated): TOPMed below 0.00001; gnomAD 0.00001.
gnomAD v4.1: 5 of 1,613,822 alleles (0.00031%); highest among the groups gnomAD compares: Admixed American, 0.0067%; no homozygotes.

Submissions (4):

Labcorp Genetics (formerly Invitae), Labcorp
Classification: Uncertain significance for Microcephaly, normal intelligence and immunodeficiency. Last evaluated: 2024-09-30. Review status: criteria provided, single submitter. Criteria: Invitae Variant Classification Sherloc (09022015). Collection method: clinical testing. Allele origin: germline.
Comment: This sequence change replaces proline, which is neutral and non-polar, with serine, which is neutral and polar, at codon 266 of the NBN protein (p.Pro266Ser). This variant is not present in population databases (gnomAD no frequency). This variant has not been reported in the literature in individuals affected with NBN-related conditions. ClinVar contains an entry for this variant (Variation ID: 631004). An algorithm developed to predict the effect of missense changes on protein structure and function (PolyPhen-2) suggests that this variant is likely to be tolerated. In summary, the available evidence is currently insufficient to determine the role of this variant in disease. Therefore, it has been classified as a Variant of Uncertain Significance.

Ambry Genetics
Classification: Uncertain significance for Hereditary cancer-predisposing syndrome. Last evaluated: 2023-09-20. Review status: criteria provided, single submitter. Criteria: Ambry Variant Classification Scheme 2023. Collection method: clinical testing. Allele origin: germline.
Comment: The p.P266S variant (also known as c.796C>T), located in coding exon 7 of the NBN gene, results from a C to T substitution at nucleotide position 796. The proline at codon 266 is replaced by serine, an amino acid with similar properties. This amino acid position is highly conserved in available vertebrate species. In addition, this alteration is predicted to be tolerated by in silico analysis. Since supporting evidence is limited at this time, the clinical significance of this alteration remains unclear.

Genome-Nilou Lab
Classification: Uncertain significance for Microcephaly, normal intelligence and immunodeficiency. Last evaluated: 2021-11-07. Review status: criteria provided, single submitter. Criteria: ACMG Guidelines, 2015. Collection method: clinical testing. Allele origin: germline. Affected: no.

Natera, Inc.
Classification: Uncertain significance for Nijmegen breakage syndrome. Last evaluated: 2020-10-09. Review status: no assertion criteria provided. Collection method: clinical testing. Allele origin: germline. Not counted in ClinVar's aggregate classification.